The following is an entry in ClinVar:

NM_000161.3(GCH1):c.357T>C (p.Asp119=)

Gene: GCH1 (GTP cyclohydrolase 1; minus strand). Cytogenetic location: 14q22.2.
Variant type: single nucleotide variant.
Coding change: c.357T>C on transcript NM_000161.3 (MANE Select); coding-DNA position 357, T replaced by C.
Protein change: p.Asp119=; no amino-acid change (aspartic acid 119 retained).
Molecular consequence: synonymous variant.
Genome position (GRCh38, 1-based): chr14:54,865,423, A>G on the plus strand (T>C on the coding strand, the complement: GCH1 is on the minus strand). VCF-style: chr14-54865423-A-G. GRCh37 (hg19) VCF-style: chr14-55332141-A-G.
Other names: c.357T>C, p.Asp119= (NM_001024024.2, NM_001024070.2, NM_001024071.2).
Identifiers: ClinVar variation 507027 (VCV000507027.2), dbSNP rs757515754, ClinGen allele CA7193606.

ClinVar aggregate classification (germline): Likely benign. Review status: criteria provided, multiple submitters, no conflicts (2 of 4 stars). 2 submissions from 2 submitters: Likely benign (2). Last evaluated 2025-11-01.

Conditions:
Dystonia 5 (DRD). Also called: DYSTONIA, PROGRESSIVE, WITH DIURNAL VARIATION; DYSTONIA-PARKINSONISM WITH DIURNAL FLUCTUATION; GTP Cyclohydrolase 1-Deficient Dopa-Responsive Dystonia; DYT-GCH1; Dystonia, DOPA-responsive, with or without hyperphenylalaninemia. Identifiers: Orphanet 98808, MedGen C1851920, MONDO:0007495, OMIM 128230.
GTP cyclohydrolase I deficiency. Identifiers: MedGen C0268467, MONDO:0100184.

Allele frequency attached by ClinVar (database versions not stated): gnomAD exomes below 0.00001; ExAC 0.00001.
gnomAD v4.1: 1 of 1,537,364 alleles (0.000065%); highest among the groups gnomAD compares: Non-Finnish European, 0.00009%; no homozygotes.

Submissions (2):

Labcorp Genetics (formerly Invitae), Labcorp
Classification: Likely benign for GTP cyclohydrolase I deficiency; Dystonia 5. Last evaluated: 2025-11-01. Review status: criteria provided, single submitter. Criteria: Invitae Variant Classification Sherloc (09022015). Collection method: clinical testing. Allele origin: germline.

GeneDx
Classification: Likely benign. Last evaluated: 2017-01-18. Review status: criteria provided, single submitter. Criteria: GeneDx Variant Classification (06012015). Collection method: clinical testing. Allele origin: germline. Affected: yes.
Comment: This variant is considered likely benign or benign based on one or more of the following criteria: it is a conservative change, it occurs at a poorly conserved position in the protein, it is predicted to be benign by multiple in silico algorithms, and/or has population frequency not consistent with disease.